The following is an entry in ClinVar:

NM_007294.4(BRCA1):c.671-1G>C

Gene: BRCA1 (BRCA1 DNA repair associated; minus strand). Cytogenetic location: 17q21.31.
Variant type: single nucleotide variant.
Coding change: c.671-1G>C on transcript NM_007294.4 (MANE Select); the canonical splice acceptor site of the intron before coding-DNA position 671, G replaced by C.
Molecular consequence: splice acceptor variant. On other transcripts: intron variant (13).
Genome position (GRCh38, 1-based): chr17:43,094,861, C>G on the plus strand (G>C on the coding strand, the complement: BRCA1 is on the minus strand). VCF-style: chr17-43094861-C-G. GRCh37 (hg19) VCF-style: chr17-41246878-C-G.
Other names: IVS10-1G>C; c.407-1G>C (NM_001407925.1, NM_001408498.1, NM_001407928.1 and 15 more transcripts); c.530-1G>C (NM_001408467.1, NM_001408459.1, NM_001407945.1 and 43 more transcripts); c.467-1G>C (NM_001408475.1, NM_001407875.1, NM_001407874.1); c.590-1G>C (NM_001407659.1, NM_001407662.1, NM_001408413.1 and 3 more transcripts); c.593-1G>C (NM_001408412.1, NM_001407656.1, NM_001407657.1 and 9 more transcripts); c.335-1G>C (NM_001408509.1, NM_001408508.1, NM_001407958.1 and 3 more transcripts); c.458-1G>C (NM_001408491.1, NM_001407918.1, NM_001407894.1 and 12 more transcripts); and 21 more.
Identifiers: ClinVar variation 91663 (VCV000091663.14), dbSNP rs80358020, ClinGen allele CA003804.

ClinVar aggregate classification (germline): Uncertain significance. Review status: reviewed by expert panel (3 of 4 stars). 7 submissions from 7 submitters: Uncertain significance (1). 6 of the submissions do not count toward it. Last evaluated 2026-09-21.

Conditions:
BRCA1-related cancer predisposition. Identifiers: MedGen CN377757, MONDO:0700268.
Hereditary cancer-predisposing syndrome. Also called: Hereditary Cancer Syndrome; Neoplastic Syndromes, Hereditary; Hereditary neoplastic syndrome; Tumor predisposition. Identifiers: Orphanet 140162, MedGen C0027672, MeSH D009386, MONDO:0015356.
Breast-ovarian cancer, familial, susceptibility to, 1 (BROVCA1). Also called: BRCA1 Hereditary Breast and Ovarian Cancer; OVARIAN CANCER, SUSCEPTIBILITY TO. Identifiers: Orphanet 145, MedGen C2676676, MONDO:0011450, OMIM 604370. Disease mechanism: loss of function.
Hereditary breast ovarian cancer syndrome. Also called: Hereditary breast and/or ovarian cancer syndrome; Hereditary breast and ovarian cancer syndrome; Hereditary breast and ovarian cancer; Hereditary breast and ovarian cancer syndrome (HBOC); Breast and ovarian cancer; BRCA1- and BRCA2-Associated Hereditary Breast and Ovarian Cancer. Identifiers: Orphanet 145, MedGen C0677776, MeSH D061325, MONDO:0003582. Disease mechanism: loss of function.

Submissions 1 to 5 of 7:

ClinGen ENIGMA BRCA1 and BRCA2 Variant Curation Expert Panel, ClinGen
Classification: Uncertain significance for BRCA1-related cancer predisposition. Last evaluated: 2026-09-21. Review status: reviewed by expert panel. Criteria: CSpec BRCA1/2ACMG Rules Specifications V1.2. Collection method: curation. Allele origin: germline. Inheritance: Autosomal dominant inheritance.
Comment: The c.671-1G>C variant is an intronic variant within the native acceptor 1,2 splice site occurring in intron 9(10) of the BRCA1 gene. Legacy exon numbering is shown in parentheses. This variant is absent from gnomAD v4.1 (read depth ≥25x in >90% samples, PM2_Supporting met). This variant has a SpliceAI score of 0.98, predicting an impact on splicing (score threshold ≥0.2) (PP3_N/A for variants inside the donor/acceptor 1,2 sites). It is predicted to cause in-frame ΔE10[ΔE11] and Δ(E8_E10)[Δ(E9_E11)] and several other minor isoforms, suspected (partially) functional. In-frame deletion variant of exon 10(11) that does not overlap a (potentially) clinically important functional domain (RING/BRCT domain) but removes >10% of the coding sequence. RNA-seq demonstrated that the variant impacts splicing by skipping of exons E8_E10(E9_E11) and 10(11), however this was not considered as evidence as RNA was derived from tumor tissue (Internal lab contributor) (PVS1_Moderate met). In summary, this variant meets the criteria to be classified as a Variant of uncertain significance for BRCA1-related cancer predisposition based on the ACMG/AMP criteria applied as specified by the ENIGMA BRCA1/2 VCEP (v1.2) (PM2_Supporting, PVS1_Moderate).

Color Diagnostics, LLC DBA Color Health
Classification: Likely pathogenic for Hereditary cancer-predisposing syndrome. Last evaluated: 2025-01-24. Review status: criteria provided, single submitter. Criteria: ACMG Guidelines, 2015. Collection method: clinical testing. Allele origin: germline. Not counted in ClinVar's aggregate classification.
Comment: This variant causes a G to C nucleotide substitution at the -1 position of intron 9 of the BRCA1 gene. This variant is also known as IVS10-1G>C based on Breast Cancer Information Core (BIC) nomenclature. RNA studies on total RNA from carriers of BRCA1 c.671-2A>C and c.671-2A>G have reported the skipping of exon 10 and exons 8-10 that result in in-frame deletion and the out-of-frame skipping of exons 9 and 10 (PMID: 14513821, 24212087, 29774201, 30736279). Functional studies have reported that the skipping of exon 10, while reduces some BRCA1 function, does not completely abolish its activity for DNA damage repair and cell proliferation (PMID: 8972225, 11359908, 16949048). Collectively, the RNA and functional studies suggest that canonical splice site variants at intron 9 acceptor site may retain some BRCA1 activity similar to a leaky splice variant. Canonical splice site variants at the intron 9 splice acceptor site have been reported in 6 individuals affected with breast and/or ovarian cancer (PMID: 26911350, 28145423, 35220195, 35918668) and multiple suspected breast and ovarian cancer families (PMID: 12960223, 29446198, 32614418) and individuals affected with lung cancer and melanoma (PMID: 33610559, 35712480). This variant has been reported as a reduced penetrance pathogenic variant (PMID: 39488595). This variant has not been identified in the general population by the Genome Aggregation Database (gnomAD). Based on the available evidence, this variant is classified as Likely Pathogenic.

GeneDx
Classification: Uncertain significance. Last evaluated: 2024-11-05. Review status: criteria provided, single submitter. Criteria: GeneDx Variant Classification Process June 2021. Collection method: clinical testing. Allele origin: germline. Affected: yes. Not counted in ClinVar's aggregate classification.
Comment: Canonical splice site variant resulting in multiple different transcripts, including full-length, in-frame deletion of exon 10, also known as exon 11 by alternate numbering, and various out-of-frame isoforms (PMID: 24212087, 30736279, 29774201); Observed in an individual with breast cancer (PMID: 35220195); Not observed at significant frequency in large population cohorts (gnomAD); Also known as 790-1G>C; This variant is associated with the following publications: (PMID: 35220195, 38219492)

All of Us Research Program, National Institutes of Health
Classification: Likely pathogenic for Breast-ovarian cancer, familial, susceptibility to, 1. Last evaluated: 2024-01-08. Review status: criteria provided, single submitter. Criteria: ACMG Guidelines, 2015. Collection method: clinical testing. Allele origin: germline. Inheritance: Autosomal dominant inheritance. Observed: 1 variant allele, 1 heterozygote. Not counted in ClinVar's aggregate classification.
Comment: This variant causes a G to C nucleotide substitution at the -1 position of intron 9 of the BRCA1 gene. This variant is also known as IVS10-1G>C based on Breast Cancer Information Core (BIC) nomenclature. RNA studies on total RNA from carriers of BRCA1 c.671-2A>C and c.671-2A>G have reported the skipping of exon 10 and exons 8-10 that result in in-frame deletion and the out-of-frame skipping of exons 9 and 10 (PMID: 14513821, 24212087, 29774201, 30736279). Functional studies have reported that the skipping of exon 10, while reduces some BRCA1 function, does not completely abolish its activity for DNA damage repair and cell proliferation (PMID: 8972225, 11359908, 16949048). Collectively, the RNA and functional studies suggest that canonical splice site variants at intron 9 acceptor site may retain some BRCA1 activity similar to a leaky splice variant. This variant has been reported in an individual affected with breast cancer (PMID: 35220195). Other canonical splice site variants at the intron 9 splice acceptor site have been reported in 6 individuals affected with breast and/or ovarian cancer (PMID: 26911350, 28145423, 35918668) and multiple suspected breast and ovarian cancer families (PMID: 12960223, 29446198, 32614418) and individuals affected with lung cancer and melanoma (PMID: 33610559, 35712480). This variant has not been identified in the general population by the Genome Aggregation Database (gnomAD). Based on the available evidence, this variant is classified as Likely Pathogenic.

This study involves interpretation of variants in research participants for the purpose of population health screening. Participant phenotype was not available at the time of variant classification. Additional details can be found in publication PMID: 35346344, PMCID: PMC8962531

Labcorp Genetics (formerly Invitae), Labcorp
Classification: Likely pathogenic for Hereditary breast ovarian cancer syndrome. Last evaluated: 2023-01-02. Review status: criteria provided, single submitter. Criteria: Invitae Variant Classification Sherloc (09022015). Collection method: clinical testing. Allele origin: germline. Not counted in ClinVar's aggregate classification.
Comment: Disruption of this splice site has been observed in individual(s) with breast cancer (PMID: 35220195). ClinVar contains an entry for this variant (Variation ID: 91663). Algorithms developed to predict the effect of sequence changes on RNA splicing suggest that this variant may disrupt the consensus splice site. In summary, the currently available evidence indicates that the variant is pathogenic, but additional data are needed to prove that conclusively. Therefore, this variant has been classified as Likely Pathogenic. This variant is not present in population databases (gnomAD no frequency). This sequence change affects an acceptor splice site in intron 9 of the BRCA1 gene. It is expected to disrupt RNA splicing. Variants that disrupt the donor or acceptor splice site typically lead to a loss of protein function (PMID: 16199547), and loss-of-function variants in BRCA1 are known to be pathogenic (PMID: 20104584).